The following is an entry in ClinVar:

ClinVar aggregate classification (germline): Benign (1 of 4 stars; one submission).

Allele frequency attached by ClinVar (database versions not stated): 1000 Genomes Project 30x 0.54279; 1000 Genomes Project 0.55631; TOPMed 0.57342; gnomAD 0.60436 and 0.61606.
gnomAD v4.1: 93,872 of 152,110 alleles (62%); highest among the groups gnomAD compares: South Asian, 86%; 34,559 homozygotes.

Submission:

GeneDx
Classification: Benign. Last evaluated: 2019-01-18. Review status: criteria provided, single submitter. Criteria: GeneDx Variant Classification Process June 2021. Collection method: clinical testing. Allele origin: germline. Affected: yes.
Comment: This variant is associated with the following publications: (PMID: 27827000, 26075227)

NM_004004.6(GJB2):c.-23+792C>T

Gene: GJB2 (gap junction protein beta 2; minus strand). Cytogenetic location: 13q12.11.
Variant type: single nucleotide variant.
Coding change: c.-23+792C>T on transcript NM_004004.6 (MANE Select); 792 bases into the intron after 23 bases upstream of the start codon, C replaced by T.
Molecular consequence: intron variant.
Genome position (GRCh38, 1-based): chr13:20,191,991, G>A on the plus strand (C>T on the coding strand, the complement: GJB2 is on the minus strand). VCF-style: chr13-20191991-G-A. GRCh37 (hg19) VCF-style: chr13-20766130-G-A.
Identifiers: ClinVar variation 1227542 (VCV001227542.3), dbSNP rs7994748, ClinGen allele CA13804848.